The following is an entry in ClinVar:

ClinVar aggregate classification (germline): Benign. Review status: criteria provided, single submitter (1 of 4 stars). 2 submissions from 1 submitter: Benign (2). Last evaluated 2018-01-12.

Conditions:
Long chain 3-hydroxyacyl-CoA dehydrogenase deficiency. Also called: LCHAD Deficiency; Deficiency of long-chain 3-hydroxyacyl-coenzyme A dehydrogenase. Identifiers: Orphanet 5, MedGen C3711645, MONDO:0012173, OMIM 609016.
Mitochondrial trifunctional protein deficiency. Identifiers: Orphanet 746, MedGen C1969443, MONDO:0012172.

Allele frequency attached by ClinVar (database versions not stated): 1000 Genomes Project 0.00479; 1000 Genomes Project 30x 0.00500; gnomAD 0.00505 and 0.00544; TOPMed 0.00609.

Submissions (2):

Illumina Laboratory Services, Illumina
Classification: Benign for Long chain 3-hydroxyacyl-CoA dehydrogenase deficiency. Last evaluated: 2018-01-12. Review status: criteria provided, single submitter. Criteria: ICSL Variant Classification Criteria 13 December 2019. Collection method: clinical testing. Allele origin: germline.
Comment: This variant was observed in the ICSL laboratory as part of a predisposition screen in an ostensibly healthy population. It had not been previously curated by ICSL or reported in the Human Gene Mutation Database (HGMD: prior to June 1st, 2018), and was therefore a candidate for classification through an automated scoring system. Utilizing variant allele frequency, disease prevalence and penetrance estimates, and inheritance mode, an automated score was calculated to assess if this variant is too frequent to cause the disease. Based on the score and internal cut-off values, a variant classified as benign is not then subjected to further curation. The score for this variant resulted in a classification of benign for this disease.

Illumina Laboratory Services, Illumina
Classification: Benign for Mitochondrial trifunctional protein deficiency 1. Last evaluated: 2018-01-12. Review status: criteria provided, single submitter. Criteria: ICSL Variant Classification Criteria 13 December 2019. Collection method: clinical testing. Allele origin: germline.
Comment: the same text as in the submission from Illumina Laboratory Services, Illumina above.

NM_000182.5(HADHA):c.*561C>T

Genes: GAREM2 (GRB2 associated regulator of MAPK1 subtype 2; plus strand), HADHA (hydroxyacyl-CoA dehydrogenase trifunctional multienzyme complex subunit alpha; minus strand). Cytogenetic location: 2p23.3.
Variant type: single nucleotide variant.
Coding change: c.*561C>T on transcript NM_000182.5 (MANE Select); 561 bases downstream of the stop codon, C replaced by T.
Molecular consequence: 3 prime UTR variant.
Genome position (GRCh38, 1-based): chr2:26,190,689, G>A on the plus strand (C>T on the coding strand, the complement: HADHA is on the minus strand). VCF-style: chr2-26190689-G-A. GRCh37 (hg19) VCF-style: chr2-26413558-G-A.
Identifiers: ClinVar variation 895645 (VCV000895645.4), dbSNP rs115151034, ClinGen allele CA44375695.